The following is an entry in ClinVar:

ClinVar aggregate classification (germline): Uncertain significance (1 of 4 stars; one submission).

Conditions:
Intellectual developmental disorder, autosomal dominant 52. Also called: Mental retardation, autosomal dominant 52; Intellectual disability, autosomal dominant 52. Identifiers: MedGen C4540478, MONDO:0030918, OMIM 617796.

Allele frequency attached by ClinVar (database versions not stated): gnomAD exomes 0.00001; TOPMed 0.00002; gnomAD 0.00002.
gnomAD v4.1: 16 of 1,613,182 alleles (0.00099%); highest among the groups gnomAD compares: South Asian, 0.0022%; no homozygotes.

Submission:

Baylor Genetics
Classification: Uncertain significance for Intellectual developmental disorder, autosomal dominant 52. Last evaluated: 2019-07-27. Review status: criteria provided, single submitter. Criteria: ACMG Guidelines, 2015. Collection method: clinical testing. Allele origin: unknown. Affected: yes.
Comment: This variant was determined to be of uncertain significance according to ACMG Guidelines, 2015 [PMID:25741868].

NM_018489.3(ASH1L):c.5051G>A (p.Arg1684Gln)

Gene: ASH1L (ASH1 like histone lysine methyltransferase; minus strand). Cytogenetic location: 1q22.
Variant type: single nucleotide variant.
Coding change: c.5051G>A on transcript NM_018489.3 (MANE Select); coding-DNA position 5051, G replaced by A.
Protein change: p.Arg1684Gln; replaces arginine 1684 with glutamine.
Molecular consequence: missense variant.
Genome position (GRCh38, 1-based): chr1:155,459,832, C>T on the plus strand (G>A on the coding strand, the complement: ASH1L is on the minus strand). VCF-style: chr1-155459832-C-T. GRCh37 (hg19) VCF-style: chr1-155429623-C-T.
Other names: c.5051G>A, p.Arg1684Gln (NM_001366177.2); short protein forms R1684Q.
Identifiers: ClinVar variation 1028600 (VCV001028600.1), dbSNP rs1280114281, ClinGen allele CA342688561.